The following is an entry in ClinVar:

ClinVar aggregate classification (germline): Uncertain significance (1 of 4 stars; one submission).

Allele frequency attached by ClinVar (database versions not stated): TOPMed 0.00001; gnomAD exomes 0.00002.
gnomAD v4.1: 31 of 1,612,654 alleles (0.0019%); highest among the groups gnomAD compares: Non-Finnish European, 0.0025%; no homozygotes.

Submission:

GeneDx
Classification: Uncertain significance. Last evaluated: 2022-05-11. Review status: criteria provided, single submitter. Criteria: GeneDx Variant Classification Process June 2021. Collection method: clinical testing. Allele origin: germline. Affected: yes.
Comment: Not observed at significant frequency in large population cohorts (gnomAD); In silico analysis supports that this missense variant has a deleterious effect on protein structure/function; Has not been previously published as pathogenic or benign to our knowledge

NM_173630.4(RTTN):c.253G>A (p.Gly85Ser)

Gene: RTTN (rotatin; minus strand). Cytogenetic location: 18q22.2.
Variant type: single nucleotide variant.
Coding change: c.253G>A on transcript NM_173630.4 (MANE Select); coding-DNA position 253, G replaced by A.
Protein change: p.Gly85Ser; replaces glycine 85 with serine.
Molecular consequence: missense variant. On other transcripts: 5 prime UTR variant (1).
Genome position (GRCh38, 1-based): chr18:70,204,230, C>T on the plus strand (G>A on the coding strand, the complement: RTTN is on the minus strand). VCF-style: chr18-70204230-C-T. GRCh37 (hg19) VCF-style: chr18-67871466-C-T.
Other names: c.-2301G>A (NM_001318520.2); short protein forms G85S.
Identifiers: ClinVar variation 1723814 (VCV001723814.2), dbSNP rs1600100824, ClinGen allele CA402701032.